The following is an entry in ClinVar:

ClinVar aggregate classification (germline): Pathogenic (1 of 4 stars; one submission).

Conditions:
Oocyte maturation defect 6. Also called: OOCYTE/ZYGOTE/EMBRYO MATURATION ARREST 6. Identifiers: MedGen C5193047, MONDO:0032696, OMIM 618353.

Submission:

Juno Genomics, Hangzhou Juno Genomics, Inc
Classification: Pathogenic for Oocyte maturation defect 6. Review status: criteria provided, single submitter. Criteria: ACMG Guidelines, 2015. Collection method: clinical testing. Allele origin: germline. Affected: yes.
Comment: Absent from controls (or at extremely low frequency if recessive) in Genome Aggregation Database.;Null variant in a gene where loss of function (LOF) is a known mechanism of disease.;Patient's phenotype or family history is highly specific for a disease with a single genetic etiology.

NM_001376232.1(ZP2):c.1831-1G>C

Gene: ZP2 (zona pellucida glycoprotein 2; minus strand). Cytogenetic location: 16p12.3.
Variant type: single nucleotide variant.
Coding change: c.1831-1G>C on transcript NM_001376232.1 (MANE Select); the canonical splice acceptor site of the intron before coding-DNA position 1831, G replaced by C.
Molecular consequence: splice acceptor variant.
Genome position (GRCh38, 1-based): chr16:21,199,667, C>G on the plus strand (G>C on the coding strand, the complement: ZP2 is on the minus strand). VCF-style: chr16-21199667-C-G. GRCh37 (hg19) VCF-style: chr16-21210988-C-G.
Other names: c.1804-1G>C (NM_001376231.1); c.1831-1G>C (NM_001376233.1, NM_003460.2).
Identifiers: ClinVar variation 5018715 (VCV005018715.1).